The following is an entry in ClinVar:

NM_003002.4(SDHD):c.428A>G (p.Asn143Ser)

Gene: SDHD (succinate dehydrogenase complex subunit D; plus strand). Cytogenetic location: 11q23.1.
Variant type: single nucleotide variant.
Coding change: c.428A>G on transcript NM_003002.4 (MANE Select); coding-DNA position 428, A replaced by G.
Protein change: p.Asn143Ser; replaces asparagine 143 with serine.
Molecular consequence: missense variant. On other transcripts: 3 prime UTR variant (2), non-coding transcript variant (1).
Genome position (GRCh38, 1-based): chr11:112,094,918, A>G. VCF-style: chr11-112094918-A-G. GRCh37 (hg19) VCF-style: chr11-111965642-A-G.
Other names: c.*25A>G (NM_001276503.2); c.311A>G, p.Asn104Ser (NM_001276504.2); c.*126A>G (NM_001276506.2); short protein forms N143S, N104S.
Identifiers: ClinVar variation 486437 (VCV000486437.23), dbSNP rs770909248, ClinGen allele CA071378.
Genomic context (GRCh38, chr11:112,094,918, plus strand): 5'-CTGCCAAGGCAGGGCTTTTGGCACTTTCAGCTTTAACCTTTGCTGGGCTTTGCTATTTCA[A>G]CTATCACGATGTGGGCATCTGCAAAGCTGTTGCCATGCTGTGGAAGCTCTGACCTTTTTG-3'
Protein context (NP_002993.1, residues 133-153): ALTFAGLCYF[Asn143Ser]YHDVGICKAV

ClinVar aggregate classification (germline): Uncertain significance. Review status: criteria provided, multiple submitters, no conflicts (2 of 4 stars). 10 submissions from 10 submitters: Uncertain significance (10). Last evaluated 2026-10-01.

Conditions:
Pheochromocytoma/paraganglioma syndrome 1. Also called: PARAGANGLIOMAS, FAMILIAL NONCHROMAFFIN, 1; PGL 1; Paragangliomas familial 1; Glomus tumors familial 1; Paraganglioma - glomus jugulare; SDHD-Related Hereditary Paraganglioma-Pheochromocytoma Syndrome. Identifiers: Orphanet 29072, MedGen C3494181, MONDO:0008192, OMIM 168000.
Mitochondrial complex 2 deficiency, nuclear type 3. Also called: MITOCHONDRIAL COMPLEX II DEFICIENCY, NUCLEAR TYPE 3. Identifiers: MedGen C5436934, MONDO:0030937, OMIM 619167.
Carney-Stratakis syndrome. Also called: PARAGANGLIOMA AND GASTROINTESTINAL STROMAL TUMOR. Identifiers: Orphanet 97286, MedGen C1847319, MONDO:0011740, OMIM 606864.
SDHD-related disorder. Also called: SDHD-related condition.
Pheochromocytoma. Also called: MAX-Related Hereditary Paraganglioma-Pheochromocytoma Syndrome. Identifiers: Orphanet 29072, MedGen C0031511, MONDO:0008233, OMIM 171300, HP:0002666.
Cowden syndrome 3 (CWS3). Identifiers: Orphanet 201, MedGen CN166604, MONDO:0014045.
Paragangliomas with sensorineural hearing loss. Identifiers: MedGen C1868633.
Hereditary cancer-predisposing syndrome. Also called: Hereditary neoplastic syndrome; Tumor predisposition; Neoplastic Syndromes, Hereditary; Hereditary Cancer Syndrome. Identifiers: Orphanet 140162, MedGen C0027672, MeSH D009386, MONDO:0015356.
Hereditary pheochromocytoma and paraganglioma. Also called: Hereditary Paraganglioma-Pheochromocytoma Syndromes; Hereditary pheochromocytoma-paraganglioma; Hereditary paragangliomas and pheochromocytomas. Identifiers: Orphanet 29072, MedGen C4274332, MONDO:0017366.

Allele frequency attached by ClinVar (database versions not stated): gnomAD 0.00001; TOPMed 0.00001; gnomAD exomes 0.00003; ExAC 0.00004.

Submissions (10):

St. Jude Molecular Pathology, St. Jude Children's Research Hospital
Classification: Uncertain significance for Pheochromocytoma/paraganglioma syndrome 1. Last evaluated: 2026-10-01. Review status: criteria provided, single submitter. Criteria: St. Jude Assertion Criteria 2020. Collection method: clinical testing. Allele origin: germline.
Comment: The SDHD c.428A>G p.(Asn143Ser) missense change has a maximum subpopulation frequency of 0.004% in gnomAD v2.1.1. The in silico tool REVEL predicts a deleterious effect on protein function, but to our knowledge this prediction has not been confirmed by functional studies. To our knowledge, this variant has not been reported in individuals with hereditary paraganglioma-pheochromocytoma. In summary, the evidence currently available is insufficient to determine th e clinical significance of this variant. It has therefore been classified as of uncertain significance (VUS-Low).

Labcorp Genetics (formerly Invitae), Labcorp
Classification: Uncertain significance for Carney-Stratakis syndrome; Paragangliomas with sensorineural hearing loss; Pheochromocytoma; Cowden syndrome 3. Last evaluated: 2026-01-09. Review status: criteria provided, single submitter. Criteria: Invitae Variant Classification Sherloc (09022015). Collection method: clinical testing. Allele origin: germline.
Comment: This sequence change replaces asparagine, which is neutral and polar, with serine, which is neutral and polar, at codon 143 of the SDHD protein (p.Asn143Ser). This variant is present in population databases (rs770909248, gnomAD 0.005%). This variant has not been reported in the literature in individuals affected with SDHD-related conditions. ClinVar contains an entry for this variant (Variation ID: 486437). Invitae Evidence Modeling of protein sequence and biophysical properties (such as structural, functional, and spatial information, amino acid conservation, physicochemical variation, residue mobility, and thermodynamic stability) indicates that this missense variant is expected to disrupt SDHD protein function with a positive predictive value of 95%. RNA analysis performed to evaluate the impact of this missense change on mRNA splicing indicates it does not significantly alter splicing (internal data). In summary, the available evidence is currently insufficient to determine the role of this variant in disease. Therefore, it has been classified as a Variant of Uncertain Significance.

3billion
Classification: Uncertain significance for SDHD-related disorder. Last evaluated: 2025-11-24. Review status: criteria provided, single submitter. Criteria: ACMG Guidelines, 2015. Collection method: clinical testing. Allele origin: germline. Affected: yes.
Comment: The variant is observed at an extremely low frequency in the gnomAD v4.1.0 dataset (total allele frequency: 0.002%). Predicted Consequence/Location: Missense variant. The majority of the known disease-causing variants of this gene are variants expected to result in premature termination of the protein. In silico tool predictions suggest damaging effect of the variant on gene or gene product [REVEL: 0.83 (>=0.6, sensitivity 0.68 and specificity 0.92); 3Cnet: 0.99 (> 0.75, sensitivity 0.96 and precision 0.92)]. The variant has been reported as of uncertain significance (ClinVar ID: VCV000486437). Different missense changes at the same codon have been reported as of uncertain significance (ClinVar ID: VCV001003698, VCV002576885). Therefore, this variant is classified as VUS according to the recommendation of ACMG/AMP guideline.

PreventionGenetics, part of Exact Sciences
Classification: Uncertain significance for SDHD-related condition. Last evaluated: 2025-10-28. Review status: criteria provided, single submitter. Criteria: ACMG Guidelines, 2015. Collection method: clinical testing. Allele origin: germline.
Comment: The SDHD c.428A>G variant is predicted to result in the amino acid substitution p.Asn143Ser. To our knowledge, this variant has not been reported in the literature. This variant is reported in 0.0045% of alleles in individuals of European (Non-Finnish) descent in gnomAD and is reported as uncertain in ClinVar (Variation ID: 486437). At this time, the clinical significance of this variant is uncertain due to the absence of conclusive functional and genetic evidence.

Ambry Genetics
Classification: Uncertain significance for Hereditary cancer-predisposing syndrome. Last evaluated: 2024-11-12. Review status: criteria provided, single submitter. Criteria: Ambry Variant Classification Scheme 2023. Collection method: clinical testing. Allele origin: germline.
Comment: The c.428A>G variant (also known as p.N143S), located in coding exon 4 of the SDHD gene, results from an A to G substitution at nucleotide position 428. The asparagine at codon 143 is replaced by serine, an amino acid with highly similar properties. This nucleotide position is highly conserved in available vertebrate species. In silico splice site analysis for this alteration is inconclusive. RNA studies have demonstrated that this alteration results in an incomplete splice defect; the clinical impact of this abnormal splicing is unknown at this time (Ambry internal data). This amino acid position is highly conserved in available vertebrate species. In addition, as a missense substitution this is predicted to be inconclusive by in silico analysis. Based on the available evidence, the clinical significance of this variant remains unclear.

Baylor Genetics
Classification: Uncertain significance for Mitochondrial complex 2 deficiency, nuclear type 3. Last evaluated: 2024-03-05. Review status: criteria provided, single submitter. Criteria: ACMG Guidelines, 2015. Collection method: clinical testing. Allele origin: unknown.

Color Diagnostics, LLC DBA Color Health
Classification: Uncertain significance for Hereditary pheochromocytoma and paraganglioma. Last evaluated: 2023-06-15. Review status: criteria provided, single submitter. Criteria: ACMG Guidelines, 2015. Collection method: clinical testing. Allele origin: germline.
Comment: This missense variant replaces asparagine with serine at codon 143 of the SDHD protein. Computational prediction suggests that this variant may have deleterious impact on protein structure and function. To our knowledge, functional studies have not been reported for this variant. This variant has not been reported in individuals affected with SDHD-related disorders in the literature. This variant has been identified in 7/248412 chromosomes in the general population by the Genome Aggregation Database (gnomAD). The available evidence is insufficient to determine the role of this variant in disease conclusively. Therefore, this variant is classified as a Variant of Uncertain Significance.

Department of Pathology and Laboratory Medicine, Sinai Health System
Classification: Uncertain significance for Pheochromocytoma/paraganglioma syndrome 1; Carney-Stratakis syndrome; Mitochondrial complex 2 deficiency, nuclear type 3. Last evaluated: 2022-11-14. Review status: criteria provided, single submitter. Criteria: ACMG Guidelines, 2015. Collection method: clinical testing. Allele origin: germline. Affected: yes.

AiLife Diagnostics
Classification: Uncertain significance. Last evaluated: 2022-03-16. Review status: criteria provided, single submitter. Criteria: ACMG Guidelines, 2015. Collection method: clinical testing. Allele origin: germline. Affected: yes. Observed: 1 variant allele.

Sema4
Classification: Uncertain significance for Hereditary cancer-predisposing syndrome. Last evaluated: 2021-09-25. Review status: criteria provided, single submitter. Criteria: Sema4 Curation Guidelines. Collection method: curation. Allele origin: germline.
Comment: The SDHD c.428A>G (p.N143S) variant has not been reported in the literature to our knowledge. It was observed in 5/111932 chromosomes of the Non-Finnish European subpopulation in the large and broad cohorts of the Genome Aggregation Database (PMID: 32461654). The variant has been reported in ClinVar (Variation ID: 486437). In silico tools suggest the impact of the variant on protein function is deleterious, though these predictions have not been confirmed by functional studies. The evidence is insufficient to meet ACMG/AMP criteria for classifying the variant as benign or pathogenic. Thus, the clinical significance of this variant is currently uncertain.